The following is an entry in ClinVar:

NM_001042492.3(NF1):c.1023_1024insGACA (p.Ile342fs)

Gene: NF1 (neurofibromin 1; plus strand). Cytogenetic location: 17q11.2.
Variant type: Insertion.
Coding change: c.1023_1024insGACA on transcript NM_001042492.3 (MANE Select); coding-DNA positions 1023 to 1024, GACA inserted.
Protein change: p.Ile342fs; shifts the reading frame from isoleucine 342.
Molecular consequence: frameshift variant.
Genome position: GRCh38 VCF-style: chr17-31200556-C-CGACA. GRCh37 (hg19) VCF-style: chr17-29527574-C-CGACA.
Other names: c.1023_1024insGACA, p.Ile342Aspfs (NM_000267.4); c.1023_1024insGACA, p.Ile342fs (NM_001128147.3); short protein forms I342fs.
Identifiers: ClinVar variation 1456162 (VCV001456162.8), dbSNP rs2143874147, ClinGen allele CA2573153536.

ClinVar aggregate classification (germline): Pathogenic. Review status: criteria provided, multiple submitters, no conflicts (2 of 4 stars). 2 submissions from 2 submitters: Pathogenic (2). Last evaluated 2020-11-11.

Conditions:
Neurofibromatosis, type 1 (NF1). Also called: Neurofibromatosis, type I; VON RECKLINGHAUSEN DISEASE; NEUROFIBROMATOSIS, TYPE I, SOMATIC; Peripheral type neurofibromatosis. Identifiers: Orphanet 636, MedGen C0027831, MONDO:0018975, OMIM 162200. Disease mechanism: loss of function.
Cardiovascular phenotype. Identifiers: MedGen CN230736.
Hereditary cancer-predisposing syndrome. Also called: Hereditary Cancer Syndrome; Hereditary neoplastic syndrome; Tumor predisposition; Neoplastic Syndromes, Hereditary. Identifiers: Orphanet 140162, MedGen C0027672, MeSH D009386, MONDO:0015356.

Submissions (2):

Labcorp Genetics (formerly Invitae), Labcorp
Classification: Pathogenic for Neurofibromatosis, type 1. Last evaluated: 2020-11-11. Review status: criteria provided, single submitter. Criteria: Invitae Variant Classification Sherloc (09022015). Collection method: clinical testing. Allele origin: germline.
Comment: This sequence change creates a premature translational stop signal (p.Ile342Aspfs*12) in the NF1 gene. It is expected to result in an absent or disrupted protein product. Loss-of-function variants in NF1 are known to be pathogenic (PMID: 10712197, 23913538). This variant is not present in population databases (ExAC no frequency). This variant has not been reported in the literature in individuals with NF1-related conditions. For these reasons, this variant has been classified as Pathogenic.

Ambry Genetics
Classification: Pathogenic for Cardiovascular phenotype; Hereditary cancer-predisposing syndrome. Last evaluated: 2020-01-22. Review status: criteria provided, single submitter. Criteria: Ambry Variant Classification Scheme 2023. Collection method: clinical testing. Allele origin: germline.
Comment: The c.1023_1024insGACA pathogenic mutation, located in coding exon 9 of the NF1 gene, results from an insertion of 4 nucleotides at position 1023, causing a translational frameshift with a predicted alternate stop codon (p.I342Dfs*12). This alteration is expected to result in loss of function by premature protein truncation or nonsense-mediated mRNA decay. As such, this alteration is interpreted as a disease-causing mutation.

Literature cited by the submitters: PubMed 10712197 (cited by Labcorp Genetics (formerly Invitae), Labcorp); PubMed 23913538 (cited by Labcorp Genetics (formerly Invitae), Labcorp).